The following is an entry in ClinVar:

ClinVar aggregate classification (germline): Uncertain significance. Review status: criteria provided, multiple submitters, no conflicts (2 of 4 stars). 2 submissions from 2 submitters: Uncertain significance (2). Last evaluated 2025-06-03.

Allele frequency attached by ClinVar (database versions not stated): gnomAD 0.00002 and 0.00003; gnomAD exomes 0.00005 and 0.00007; ExAC 0.00024; TOPMed 0.00003; 1000 Genomes Project 30x 0.00016.
gnomAD v4.1: 76 of 1,550,820 alleles (0.0049%); highest among the groups gnomAD compares: South Asian, 0.039%; 1 homozygote.

Submissions (2):

GeneDx
Classification: Uncertain significance. Last evaluated: 2025-06-03. Review status: criteria provided, single submitter. Criteria: GeneDx Variant Classification Process June 2021. Collection method: clinical testing. Allele origin: germline.
Comment: In silico analysis supports that this missense variant has a deleterious effect on protein structure/function; Has not been previously published as pathogenic or benign to our knowledge

Labcorp Genetics (formerly Invitae), Labcorp
Classification: Uncertain significance. Last evaluated: 2021-05-26. Review status: criteria provided, single submitter. Criteria: Invitae Variant Classification Sherloc (09022015). Collection method: clinical testing. Allele origin: germline.
Comment: Algorithms developed to predict the effect of missense changes on protein structure and function are either unavailable or do not agree on the potential impact of this missense change (SIFT: "Tolerated"; PolyPhen-2: "Probably Damaging"; Align-GVGD: "Class C0"). In summary, the available evidence is currently insufficient to determine the role of this variant in disease. Therefore, it has been classified as a Variant of Uncertain Significance. This variant has not been reported in the literature in individuals with OTOG-related conditions. This variant is present in population databases (rs149486088, ExAC 0.05%). This sequence change replaces threonine with methionine at codon 621 of the OTOG protein (p.Thr621Met). The threonine residue is highly conserved and there is a moderate physicochemical difference between threonine and methionine.

NM_001292063.2(OTOG):c.1826C>T (p.Thr609Met)

Gene: OTOG (otogelin; plus strand). Cytogenetic location: 11p15.1.
Variant type: single nucleotide variant.
Coding change: c.1826C>T on transcript NM_001292063.2 (MANE Select); coding-DNA position 1826, C replaced by T.
Protein change: p.Thr609Met; replaces threonine 609 with methionine.
Molecular consequence: missense variant.
Genome position (GRCh38, 1-based): chr11:17,570,261, C>T. VCF-style: chr11-17570261-C-T. GRCh37 (hg19) VCF-style: chr11-17591808-C-T.
Other names: c.1862C>T (NM_001277269.1); c.1862C>T, p.Thr621Met (NM_001277269.2); short protein forms T609M, T621M.
Identifiers: ClinVar variation 1415426 (VCV001415426.10), dbSNP rs149486088, ClinGen allele CA5905541.